The following is an entry in ClinVar:

NM_001267550.2(TTN):c.102813A>G (p.Val34271=)

Genes: TTN (titin; minus strand), TTN-AS1 (TTN antisense RNA 1; plus strand). Cytogenetic location: 2q31.2.
Variant type: single nucleotide variant.
Coding change: c.102813A>G on transcript NM_001267550.2 (MANE Select); coding-DNA position 102813, A replaced by G.
Protein change: p.Val34271=; no amino-acid change (valine 34271 retained).
Molecular consequence: synonymous variant.
Genome position (GRCh38, 1-based): chr2:178,533,802, T>C on the plus strand (A>G on the coding strand, the complement: TTN is on the minus strand). VCF-style: chr2-178533802-T-C. GRCh37 (hg19) VCF-style: chr2-179398529-T-C.
Other names: c.97890A>G, p.Val32630= (NM_001256850.1); c.75618A>G, p.Val25206= (NM_003319.4); c.95109A>G, p.Val31703= (NM_133378.4); c.75993A>G, p.Val25331= (NM_133432.3); c.76194A>G, p.Val25398= (NM_133437.4).
Identifiers: ClinVar variation 1930398 (VCV001930398.8), dbSNP rs878983012, ClinGen allele CA60958930.

ClinVar aggregate classification (germline): Conflicting classifications of pathogenicity. Review status: criteria provided, conflicting classifications (1 of 4 stars). 3 submissions from 3 submitters: Uncertain significance (1); Likely benign (1). 1 of the submissions does not count toward it. Last evaluated 2025-06-19.

Conditions:
Dilated cardiomyopathy 1G (CMD1G). Identifiers: Orphanet 154, MedGen C1858763, MONDO:0011400, OMIM 604145.
Autosomal recessive limb-girdle muscular dystrophy type 2J (LGMDR10). Also called: Limb-girdle muscular dystrophy, type 2J; MUSCULAR DYSTROPHY, LIMB-GIRDLE, AUTOSOMAL RECESSIVE 10. Identifiers: Orphanet 140922, MedGen C1837342, MONDO:0012127, OMIM 608807.
TTN-related disorder. Also called: TTN-related condition; TTN-related disease; TTN-related disorders.

Allele frequency attached by ClinVar (database versions not stated): TOPMed 0.00001.

Submissions (3):

Revvity Omics, Revvity
Classification: Uncertain significance. Last evaluated: 2025-06-19. Review status: criteria provided, single submitter. Criteria: ACMG Guidelines, 2015. Collection method: clinical testing. Allele origin: germline.

Labcorp Genetics (formerly Invitae), Labcorp
Classification: Likely benign for Dilated cardiomyopathy 1G; Autosomal recessive limb-girdle muscular dystrophy type 2J. Last evaluated: 2022-01-16. Review status: criteria provided, single submitter. Criteria: Invitae Variant Classification Sherloc (09022015). Collection method: clinical testing. Allele origin: germline.

PreventionGenetics, part of Exact Sciences
Classification: Likely benign for TTN-related condition. Last evaluated: 2023-12-19. Review status: no assertion criteria provided. Collection method: clinical testing. Allele origin: germline. Not counted in ClinVar's aggregate classification.
Comment: This variant is classified as likely benign based on ACMG/AMP sequence variant interpretation guidelines (Richards et al. 2015 PMID: 25741868, with internal and published modifications).